The following is an entry in ClinVar:

ClinVar aggregate classification (germline): Likely pathogenic. Review status: criteria provided, multiple submitters, no conflicts (2 of 4 stars). 3 submissions from 3 submitters: Likely pathogenic (3). Last evaluated 2022-10-27.

Conditions:
BEST1-related disorder. Also called: BEST1-related condition; BEST1-related disorders. Identifiers: MedGen CN239200.
Retinal dystrophy. Also called: Inherited retinal dystrophy. Identifiers: Orphanet 71862, MedGen C0854723, MeSH D058499, MONDO:0019118, HP:0000556.

Submissions (3):

Blueprint Genetics
Classification: Likely pathogenic for BEST1-related disorders. Last evaluated: 2022-10-27. Review status: criteria provided, single submitter. Criteria: ACMG Guidelines, 2015. Collection method: clinical testing. Allele origin: germline. Affected: yes. Observed: 1 variant allele.

Labcorp Genetics (formerly Invitae), Labcorp
Classification: Likely pathogenic. Last evaluated: 2022-05-29. Review status: criteria provided, single submitter. Criteria: Invitae Variant Classification Sherloc (09022015). Collection method: clinical testing. Allele origin: germline.
Comment: This sequence change replaces valine, which is neutral and non-polar, with alanine, which is neutral and non-polar, at codon 143 of the BEST1 protein (p.Val143Ala). This variant is not present in population databases (gnomAD no frequency). This missense change has been observed in individual(s) with clinical features of autosomal dominant BEST1-related conditions (PMID: 29555955; Invitae). Advanced modeling of protein sequence and biophysical properties (such as structural, functional, and spatial information, amino acid conservation, physicochemical variation, residue mobility, and thermodynamic stability) performed at Invitae indicates that this missense variant is expected to disrupt BEST1 protein function. This variant disrupts the p.Val143 amino acid residue in BEST1. Other variant(s) that disrupt this residue have been determined to be pathogenic (PMID: 21273940, 30498755, 32507900). This suggests that this residue is clinically significant, and that variants that disrupt this residue are likely to be disease-causing. In summary, the currently available evidence indicates that the variant is pathogenic, but additional data are needed to prove that conclusively. Therefore, this variant has been classified as Likely Pathogenic.

Institute of Human Genetics, Univ. Regensburg, Univ. Regensburg
Classification: Likely pathogenic for Retinal dystrophy. Last evaluated: 2013-01-01. Review status: criteria provided, single submitter. Criteria: ACMG Guidelines, 2015. Collection method: clinical testing. Allele origin: germline. Affected: yes.

Literature cited by the submitters: PubMed 29555955 (cited by Labcorp Genetics (formerly Invitae), Labcorp and Institute of Human Genetics, Univ. Regensburg, Univ. Regensburg); PubMed 21273940 (cited by Labcorp Genetics (formerly Invitae), Labcorp); PubMed 30498755 (cited by Labcorp Genetics (formerly Invitae), Labcorp); PubMed 32507900 (cited by Labcorp Genetics (formerly Invitae), Labcorp).

NM_004183.4(BEST1):c.428T>C (p.Val143Ala)

Gene: BEST1 (bestrophin 1; plus strand). Cytogenetic location: 11q12.3.
Variant type: single nucleotide variant.
Coding change: c.428T>C on transcript NM_004183.4 (MANE Select); coding-DNA position 428, T replaced by C.
Protein change: p.Val143Ala; replaces valine 143 with alanine.
Molecular consequence: missense variant. On other transcripts: non-coding transcript variant (1).
Genome position (GRCh38, 1-based): chr11:61,955,898, T>C. VCF-style: chr11-61955898-T-C. GRCh37 (hg19) VCF-style: chr11-61723370-T-C.
Other names: c.248T>C, p.Val83Ala (NM_001139443.3, NM_001300786.2, NM_001300787.2); c.110T>C, p.Val37Ala (NM_001363591.3); c.428T>C, p.Val143Ala (NM_001363592.2); c.-748T>C (NM_001363593.3); short protein forms V143A, V83A, V37A.
Identifiers: ClinVar variation 2152114 (VCV002152114.6), dbSNP rs2541363953, ClinGen allele CA380835254.
Genomic context (GRCh38, chr11:61,955,898, plus strand): 5'-TGCTGCGGCGCACGCTCATCCGCTACGCCAACCTGGGCAACGTGCTCATCCTGCGCAGCG[T>C]CAGCACCGCAGTCTACAAGCGCTTCCCCAGCGCCCAGCACCTGGTGCAAGCAGGTGGGCG-3'
Protein context (NP_004174.1, residues 133-153): NLGNVLILRS[Val143Ala]STAVYKRFPS